The following is an entry in ClinVar:

ClinVar aggregate classification (germline): Uncertain significance. Review status: criteria provided, multiple submitters, no conflicts (2 of 4 stars). 2 submissions from 2 submitters: Uncertain significance (2). Last evaluated 2025-01-29.

Conditions:
Hereditary cancer-predisposing syndrome. Also called: Tumor predisposition; Hereditary neoplastic syndrome; Hereditary Cancer Syndrome; Neoplastic Syndromes, Hereditary. Identifiers: Orphanet 140162, MedGen C0027672, MeSH D009386, MONDO:0015356.
Familial cancer of breast. Also called: BREAST CANCER, FAMILIAL; Hereditary breast cancer; hereditary breast carcinoma. Identifiers: Orphanet 227535, MedGen C0346153, MONDO:0016419, OMIM 114480. Disease mechanism: loss of function.

Submissions (2):

Ambry Genetics
Classification: Uncertain significance for Hereditary cancer-predisposing syndrome. Last evaluated: 2025-01-29. Review status: criteria provided, single submitter. Criteria: Ambry Variant Classification Scheme 2023. Collection method: clinical testing. Allele origin: germline.
Comment: The p.F310V variant (also known as c.928T>G), located in coding exon 8 of the CHEK2 gene, results from a T to G substitution at nucleotide position 928. The phenylalanine at codon 310 is replaced by valine, an amino acid with highly similar properties. This amino acid position is well conserved in available vertebrate species. In addition, this alteration is predicted to be deleterious by in silico analysis. Based on the available evidence, the clinical significance of this variant remains unclear.

Labcorp Genetics (formerly Invitae), Labcorp
Classification: Uncertain significance for Familial cancer of breast. Last evaluated: 2024-01-24. Review status: criteria provided, single submitter. Criteria: Invitae Variant Classification Sherloc (09022015). Collection method: clinical testing. Allele origin: germline.
Comment: This sequence change replaces phenylalanine, which is neutral and non-polar, with valine, which is neutral and non-polar, at codon 310 of the CHEK2 protein (p.Phe310Val). This variant is not present in population databases (gnomAD no frequency). This variant has not been reported in the literature in individuals affected with CHEK2-related conditions. ClinVar contains an entry for this variant (Variation ID: 938118). An algorithm developed to predict the effect of missense changes on protein structure and function (PolyPhen-2) suggests that this variant is likely to be disruptive. In summary, the available evidence is currently insufficient to determine the role of this variant in disease. Therefore, it has been classified as a Variant of Uncertain Significance.

NM_007194.4(CHEK2):c.928T>G (p.Phe310Val)

Gene: CHEK2 (checkpoint kinase 2; minus strand). Cytogenetic location: 22q12.1.
Variant type: single nucleotide variant.
Coding change: c.928T>G on transcript NM_007194.4 (MANE Select); coding-DNA position 928, T replaced by G.
Protein change: p.Phe310Val; replaces phenylalanine 310 with valine.
Molecular consequence: missense variant.
Genome position (GRCh38, 1-based): chr22:28,699,918, A>C on the plus strand (T>G on the coding strand, the complement: CHEK2 is on the minus strand). VCF-style: chr22-28699918-A-C. GRCh37 (hg19) VCF-style: chr22-29095906-A-C.
Other names: c.1057T>G, p.Phe353Val (NM_001005735.3); c.265T>G, p.Phe89Val (NM_001257387.3); c.727T>G, p.Phe243Val (NM_001349956.3); c.928T>G, p.Phe310Val (NM_145862.3); short protein forms F243V, F310V, F353V, F89V.
Identifiers: ClinVar variation 938118 (VCV000938118.14), dbSNP rs2052767851, ClinGen allele CA411100063.